The following is an entry in ClinVar:

NM_001232.4(CASQ2):c.846C>A (p.Tyr282Ter)

Gene: CASQ2 (calsequestrin 2; minus strand). Cytogenetic location: 1p13.1.
Variant type: single nucleotide variant.
Coding change: c.846C>A on transcript NM_001232.4 (MANE Select); coding-DNA position 846, C replaced by A.
Protein change: p.Tyr282Ter; replaces tyrosine 282 with a stop codon.
Molecular consequence: nonsense.
Genome position (GRCh38, 1-based): chr1:115,705,285, G>T on the plus strand (C>A on the coding strand, the complement: CASQ2 is on the minus strand). VCF-style: chr1-115705285-G-T. GRCh37 (hg19) VCF-style: chr1-116247906-G-T.
Other names: short protein forms Y282*.
Identifiers: ClinVar variation 2794330 (VCV002794330.3), dbSNP rs764692110, ClinGen allele CA341766928.

ClinVar aggregate classification (germline): Pathogenic (1 of 4 stars; one submission).

Conditions:
Catecholaminergic polymorphic ventricular tachycardia 1. Also called: VENTRICULAR TACHYCARDIA, STRESS-INDUCED POLYMORPHIC 1; VENTRICULAR TACHYCARDIA, CATECHOLAMINERGIC POLYMORPHIC, 1, WITH OR WITHOUT ATRIAL DYSFUNCTION AND/OR DILATED CARDIOMYOPATHY; RYR2-Related Catecholaminergic Polymorphic Ventricular Tachycardia. Identifiers: Orphanet 3286, MedGen C1631597, MONDO:0011484, OMIM 604772.

Submission:

Labcorp Genetics (formerly Invitae), Labcorp
Classification: Pathogenic for Catecholaminergic polymorphic ventricular tachycardia 1. Last evaluated: 2024-01-24. Review status: criteria provided, single submitter. Criteria: Invitae Variant Classification Sherloc (09022015). Collection method: clinical testing. Allele origin: germline.
Comment: This sequence change creates a premature translational stop signal (p.Tyr282*) in the CASQ2 gene. It is expected to result in an absent or disrupted protein product. Loss-of-function variants in CASQ2 are known to be pathogenic (PMID: 12386154). This variant is not present in population databases (gnomAD no frequency). This variant has not been reported in the literature in individuals affected with CASQ2-related conditions. For these reasons, this variant has been classified as Pathogenic.

Literature cited by the submitters: PubMed 12386154.